The following is an entry in ClinVar:

ClinVar aggregate classification (germline): Uncertain significance. Review status: criteria provided, multiple submitters, no conflicts (2 of 4 stars). 3 submissions from 3 submitters: Uncertain significance (2). 1 of the submissions does not count toward it. Last evaluated 2024-11-05.

Conditions:
Leber congenital amaurosis (LCA). Also called: Leber's amaurosis. Identifiers: Orphanet 65, MedGen C0339527, MeSH D057130, MONDO:0018998.

Allele frequency attached by ClinVar (database versions not stated): gnomAD 0.00002; gnomAD exomes 0.00003; ExAC 0.00004; TOPMed 0.00006; ESP Exome Variant Server 0.00008.
gnomAD v4.1: 40 of 1,612,992 alleles (0.0025%); highest among the groups gnomAD compares: Admixed American, 0.0067%; no homozygotes.

Submissions (3):

Blueprint Genetics
Classification: Uncertain significance. Last evaluated: 2024-11-05. Review status: criteria provided, single submitter. Criteria: ACMG Guidelines, 2015. Collection method: clinical testing. Allele origin: germline.

Labcorp Genetics (formerly Invitae), Labcorp
Classification: Uncertain significance. Last evaluated: 2022-09-13. Review status: criteria provided, single submitter. Criteria: Invitae Variant Classification Sherloc (09022015). Collection method: clinical testing. Allele origin: germline.
Comment: This sequence change replaces glutamic acid, which is acidic and polar, with lysine, which is basic and polar, at codon 236 of the LCA5 protein (p.Glu236Lys). This variant is present in population databases (rs377719240, gnomAD 0.01%). This variant has not been reported in the literature in individuals affected with LCA5-related conditions. ClinVar contains an entry for this variant (Variation ID: 845771). Advanced modeling of protein sequence and biophysical properties (such as structural, functional, and spatial information, amino acid conservation, physicochemical variation, residue mobility, and thermodynamic stability) performed at Invitae indicates that this missense variant is expected to disrupt LCA5 protein function. In summary, the available evidence is currently insufficient to determine the role of this variant in disease. Therefore, it has been classified as a Variant of Uncertain Significance.

Natera, Inc.
Classification: Uncertain significance for Leber congenital amaurosis. Last evaluated: 2020-01-24. Review status: no assertion criteria provided. Collection method: clinical testing. Allele origin: germline. Not counted in ClinVar's aggregate classification.

NM_001122769.3(LCA5):c.706G>A (p.Glu236Lys)

Gene: LCA5 (lebercilin LCA5; minus strand). Cytogenetic location: 6q14.1.
Variant type: single nucleotide variant.
Coding change: c.706G>A on transcript NM_001122769.3 (MANE Select); coding-DNA position 706, G replaced by A.
Protein change: p.Glu236Lys; replaces glutamic acid 236 with lysine.
Molecular consequence: missense variant.
Genome position (GRCh38, 1-based): chr6:79,513,226, C>T on the plus strand (G>A on the coding strand, the complement: LCA5 is on the minus strand). VCF-style: chr6-79513226-C-T. GRCh37 (hg19) VCF-style: chr6-80222943-C-T.
Other names: c.706G>A, p.Glu236Lys (NM_181714.4); short protein forms E236K.
Identifiers: ClinVar variation 845771 (VCV000845771.6), dbSNP rs377719240, ClinGen allele CA3901070.